The following is an entry in ClinVar:

NM_024408.4(NOTCH2):c.3548A>G (p.Asn1183Ser)

Gene: NOTCH2 (notch receptor 2; minus strand). Cytogenetic location: 1p12.
Variant type: single nucleotide variant.
Coding change: c.3548A>G on transcript NM_024408.4 (MANE Select); coding-DNA position 3548, A replaced by G.
Protein change: p.Asn1183Ser; replaces asparagine 1183 with serine.
Molecular consequence: missense variant.
Genome position (GRCh38, 1-based): chr1:119,935,579, T>C on the plus strand (A>G on the coding strand, the complement: NOTCH2 is on the minus strand). VCF-style: chr1-119935579-T-C. GRCh37 (hg19) VCF-style: chr1-120478202-T-C.
Other names: c.3548A>G, p.Asn1183Ser (NM_001200001.2); short protein forms N1183S.
Identifiers: ClinVar variation 4992941 (VCV004992941.1).
Genomic context (GRCh38, chr1:119,935,579, plus strand): 5'-ATACAGGTGCCTCCATTCTGGCAGGGCTGATTCTGGCACTCATCCACTTCATACTCACAG[T>C]TGACACCCTGATAGCCTGGGACACACTGCCATGAGGAAACAAAAAGGACAAGAAATATTG-3'
Protein context (NP_077719.2, residues 1173-1193): CECVPGYQGV[Asn1183Ser]CEYEVDECQN

ClinVar aggregate classification (germline): Uncertain significance (1 of 4 stars; one submission).

Conditions:
NOTCH2-related disorder. Also called: NOTCH2-related condition.

gnomAD v4.1: 1 of 1,614,168 alleles (0.000062%); highest among the groups gnomAD compares: Non-Finnish European, 0.000085%; no homozygotes.

Submission:

PreventionGenetics, part of Exact Sciences
Classification: Uncertain significance for NOTCH2-related condition. Last evaluated: 2026-08-31. Review status: criteria provided, single submitter. Criteria: ACMG Guidelines, 2015. Collection method: clinical testing. Allele origin: germline.
Comment: The NOTCH2 c.3548A>G variant is predicted to result in the amino acid substitution p.Asn1183Ser. To our knowledge, this variant has not been reported in the literature or in a large population database (gnomAD), indicating this variant is rare. At this time, the clinical significance of this variant is uncertain due to the absence of conclusive functional and genetic evidence.